The following is an entry in ClinVar:

ClinVar aggregate classification (germline): Uncertain significance (1 of 4 stars; one submission).

Submission:

CeGaT Center for Human Genetics Tuebingen
Classification: Uncertain significance. Last evaluated: 2026-09-01. Review status: criteria provided, single submitter. Criteria: CeGaT Center For Human Genetics Tuebingen Variant Classification Criteria Version 2. Collection method: clinical testing. Allele origin: germline. Affected: yes. Observed: 1 variant allele.
Comment: PRPF8: PM2, PP2, PP3

NM_006445.4(PRPF8):c.1838A>T (p.Tyr613Phe)

Gene: PRPF8 (pre-mRNA processing factor 8; minus strand). Cytogenetic location: 17p13.3.
Variant type: single nucleotide variant.
Coding change: c.1838A>T on transcript NM_006445.4 (MANE Select); coding-DNA position 1838, A replaced by T.
Protein change: p.Tyr613Phe; replaces tyrosine 613 with phenylalanine.
Molecular consequence: missense variant.
Genome position (GRCh38, 1-based): chr17:1,678,534, T>A on the plus strand (A>T on the coding strand, the complement: PRPF8 is on the minus strand). VCF-style: chr17-1678534-T-A. GRCh37 (hg19) VCF-style: chr17-1581828-T-A.
Other names: short protein forms Y613F.
Identifiers: ClinVar variation 5041636 (VCV005041636.1).